The following is an entry in ClinVar:

ClinVar aggregate classification (germline): Uncertain significance (1 of 4 stars; one submission).

Conditions:
Epidermolysis bullosa simplex 5B, with muscular dystrophy (EBS5B). Also called: EPIDERMOLYSIS BULLOSA SIMPLEX AND LIMB-GIRDLE MUSCULAR DYSTROPHY; Epidermolysis bullosa simplex with muscular dystrophy. Identifiers: Orphanet 257, MedGen C2931072, MONDO:0009181, OMIM 226670.
Epidermolysis bullosa simplex 5C, with pyloric atresia (EBS5C). Also called: Epidermolysis bullosa simplex with pyloric atresia; PLEC-Related Epidermolysis Bullosa with Pyloric Atresia; PLEC1-Related Epidermolysis Bullosa with Pyloric Atresia. Identifiers: Orphanet 158684, MedGen C2677349, MONDO:0012807, OMIM 612138.
Epidermolysis bullosa simplex with nail dystrophy (EBS5D). Identifiers: MedGen C4225309, MONDO:0014661, OMIM 616487.
Autosomal recessive limb-girdle muscular dystrophy type 2Q (LGMDR17). Also called: MUSCULAR DYSTROPHY, LIMB-GIRDLE, AUTOSOMAL RECESSIVE 17. Identifiers: Orphanet 254361, MedGen C3150989, MONDO:0013390, OMIM 613723.
Epidermolysis bullosa simplex, Ogna type (EBS5A). Also called: Pidermolysis bullosa simplex 5A, Ogna type; EPIDERMOLYSIS BULLOSA SIMPLEX 5A, OGNA TYPE. Identifiers: Orphanet 79401, MedGen C0432317, MONDO:0007555, OMIM 131950.

Allele frequency attached by ClinVar (database versions not stated): gnomAD exomes 0.00003; ExAC 0.00012.
gnomAD v4.1: 35 of 1,594,684 alleles (0.0022%); highest among the groups gnomAD compares: Non-Finnish European, 0.003%; no homozygotes.

Submission:

Labcorp Genetics (formerly Invitae), Labcorp
Classification: Uncertain significance for Autosomal recessive limb-girdle muscular dystrophy type 2Q; Epidermolysis bullosa simplex, Ogna type; Epidermolysis bullosa simplex with nail dystrophy; Epidermolysis bullosa simplex 5C, with pyloric atresia; Epidermolysis bullosa simplex 5B, with muscular dystrophy. Last evaluated: 2023-08-23. Review status: criteria provided, single submitter. Criteria: Invitae Variant Classification Sherloc (09022015). Collection method: clinical testing. Allele origin: germline.
Comment: In summary, the available evidence is currently insufficient to determine the role of this variant in disease. Therefore, it has been classified as a Variant of Uncertain Significance. Experimental studies and prediction algorithms are not available or were not evaluated, and the functional significance of this variant is currently unknown. ClinVar contains an entry for this variant (Variation ID: 2064732). This variant has not been reported in the literature in individuals affected with PLEC-related conditions. This variant is present in population databases (rs782767415, gnomAD 0.01%). This sequence change replaces alanine, which is neutral and non-polar, with threonine, which is neutral and polar, at codon 2043 of the PLEC protein (p.Ala2043Thr).

NM_201384.3(PLEC):c.6046G>A (p.Ala2016Thr)

Gene: PLEC (plectin; minus strand). Cytogenetic location: 8q24.3.
Variant type: single nucleotide variant.
Coding change: c.6046G>A on transcript NM_201384.3 (MANE Select); coding-DNA position 6046, G replaced by A.
Protein change: p.Ala2016Thr; replaces alanine 2016 with threonine.
Molecular consequence: missense variant.
Genome position (GRCh38, 1-based): chr8:143,923,883, C>T on the plus strand (G>A on the coding strand, the complement: PLEC is on the minus strand). VCF-style: chr8-143923883-C-T. GRCh37 (hg19) VCF-style: chr8-144998051-C-T.
Other names: c.6127G>A, p.Ala2043Thr (NM_000445.5); c.6004G>A, p.Ala2002Thr (NM_201378.4); c.5980G>A, p.Ala1994Thr (NM_201379.3); c.6457G>A, p.Ala2153Thr (NM_201380.4); c.5950G>A, p.Ala1984Thr (NM_201381.3); c.6046G>A, p.Ala2016Thr (NM_201382.4); c.6058G>A, p.Ala2020Thr (NM_201383.3); short protein forms A1984T, A1994T, A2002T, A2043T, A2016T, A2020T, A2153T.
Identifiers: ClinVar variation 2064732 (VCV002064732.4), dbSNP rs782767415, ClinGen allele CA4926127.
Genomic context (GRCh38, chr8:143,923,883, plus strand): 5'-GCTGCCGCGCCGACTCCTGCTCCGCTCGCTCCCGCAGGCGCCGCGCCTCCTCCACCTTGG[C>T]TTTCAGCCGCTCGACTTCCTCCAGCGCCGCCTTCCGCTGCCGTGCGGCCTCCTCCTCGGC-3'
Protein context (NP_958786.1, residues 2006-2026): AALEEVERLK[Ala2016Thr]KVEEARRLRE